The following is an entry in ClinVar:

ClinVar aggregate classification (germline): Pathogenic (1 of 4 stars; one submission).

Conditions:
Hereditary cancer-predisposing syndrome. Also called: Hereditary Cancer Syndrome; Neoplastic Syndromes, Hereditary; Hereditary neoplastic syndrome; Tumor predisposition. Identifiers: Orphanet 140162, MedGen C0027672, MeSH D009386, MONDO:0015356.

Submission:

Ambry Genetics
Classification: Pathogenic for Hereditary cancer-predisposing syndrome. Last evaluated: 2019-11-01. Review status: criteria provided, single submitter. Criteria: Ambry Variant Classification Scheme 2023. Collection method: clinical testing. Allele origin: germline.
Comment: The c.389_391delCAAinsTA pathogenic mutation, located in coding exon 4 of the TSC1 gene, results from the deletion of 3 nucleotides and insertion of two nucleotides causing a translational frameshift with a predicted alternate stop codon (p.T130Ifs*7). This alteration is expected to result in loss of function by premature protein truncation or nonsense-mediated mRNA decay. As such, this alteration is interpreted as a disease-causing mutation.

NM_000368.5(TSC1):c.389_390delinsT (p.Thr130fs)

Gene: TSC1 (TSC complex subunit 1; minus strand). Cytogenetic location: 9q34.13.
Variant type: Indel.
Coding change: c.389_390delinsT on transcript NM_000368.5 (MANE Select); coding-DNA positions 389 to 390, CA replaced by T.
Protein change: p.Thr130fs; shifts the reading frame from threonine 130.
Molecular consequence: frameshift variant.
Genome position (GRCh38, 1-based): chr9:132,923,466-132,923,467, TG replaced by A on the plus strand (CA replaced by T on the coding strand, the reverse complement: TSC1 is on the minus strand). VCF-style: chr9-132923466-TG-A. GRCh37 (hg19) VCF-style: chr9-135798853-TG-A.
Other names: c.389_390delinsT, p.Thr130fs (NM_001162426.2); c.236_237delinsT, p.Thr79fs (NM_001162427.2); c.26_27delinsT, p.Thr9fs (NM_001362177.2); c.389_391delCAAinsTA (NM_000368.4); short protein forms T79fs, T9fs, T130fs.
Identifiers: ClinVar variation 428190 (VCV000428190.5), dbSNP rs1554819932, ClinGen allele CA645369415.
Genomic context (GRCh38, chr9:132,923,466, plus strand): 5'-ATGCTGTTTCCCAGACTGTGGAATCATTGGTAGCATGGTTATCAACACCAAGACGCCTGT[TG>A]TGAGGACAACGACGTCAGTGTCCATCTGCAGGAGAAAAGGTCAAACAGGAAACGTCTGTC-3'